The following is an entry in ClinVar:

ClinVar aggregate classification (germline): Uncertain significance (1 of 4 stars; one submission).

Conditions:
Primary ciliary dyskinesia. Also called: Ciliary dyskinesia. Identifiers: Orphanet 244, MedGen C0008780, MONDO:0016575, HP:0012265.

gnomAD v4.1: 6 of 1,611,660 alleles (0.00037%); highest among the groups gnomAD compares: South Asian, 0.0011%; no homozygotes.

Submission:

Ambry Genetics
Classification: Uncertain significance for Primary ciliary dyskinesia. Last evaluated: 2025-05-10. Review status: criteria provided, single submitter. Criteria: Ambry Variant Classification Scheme 2023. Collection method: clinical testing. Allele origin: germline.
Comment: The p.P276A variant (also known as c.826C>G), located in coding exon 1 of the DNAAF2 gene, results from a C to G substitution at nucleotide position 826. The proline at codon 276 is replaced by alanine, an amino acid with highly similar properties. This amino acid position is conserved. In addition, this alteration is predicted to be tolerated by in silico analysis. Based on the available evidence, the clinical significance of this variant remains unclear.

NM_018139.3(DNAAF2):c.826C>G (p.Pro276Ala)

Gene: DNAAF2 (dynein axonemal assembly factor 2; minus strand). Cytogenetic location: 14q21.3.
Variant type: single nucleotide variant.
Coding change: c.826C>G on transcript NM_018139.3 (MANE Select); coding-DNA position 826, C replaced by G.
Protein change: p.Pro276Ala; replaces proline 276 with alanine.
Molecular consequence: missense variant.
Genome position (GRCh38, 1-based): chr14:49,634,324, G>C on the plus strand (C>G on the coding strand, the complement: DNAAF2 is on the minus strand). VCF-style: chr14-49634324-G-C. GRCh37 (hg19) VCF-style: chr14-50101042-G-C.
Other names: c.826C>G, p.Pro276Ala (NM_001083908.2); short protein forms P276A.
Identifiers: ClinVar variation 4012480 (VCV004012480.1).
Genomic context (GRCh38, chr14:49,634,324, plus strand): 5'-CGGCCGAGCGCAACAGCGGCAGTTCGATGGTGATCACCAGCTCATGGGGCACGGGGCTCG[G>C]GGCTGAGTCCCTGGAGCAGCGGTAATCCTGGAGGTCCACGTGGTGGCGCTGCACCACGCT-3'
Protein context (NP_060609.2, residues 266-286): QDYRCSRDSA[Pro276Ala]SPVPHELVIT